The following is an entry in ClinVar:

ClinVar aggregate classification (germline): Uncertain significance (1 of 4 stars; one submission).

Conditions:
Parathyroid carcinoma (PRTC). Also called: Parathyroid gland carcinoma; CDC73-Related Parathyroid Carcinoma. Identifiers: Orphanet 143, MedGen C0687150, MONDO:0012004, OMIM 608266, HP:0006780.

Submission:

Labcorp Genetics (formerly Invitae), Labcorp
Classification: Uncertain significance for Parathyroid carcinoma. Last evaluated: 2024-06-29. Review status: criteria provided, single submitter. Criteria: Invitae Variant Classification Sherloc (09022015). Collection method: clinical testing. Allele origin: germline.
Comment: This sequence change replaces leucine, which is neutral and non-polar, with serine, which is neutral and polar, at codon 518 of the CDC73 protein (p.Leu518Ser). This variant is not present in population databases (gnomAD no frequency). This variant has not been reported in the literature in individuals affected with CDC73-related conditions. Advanced modeling of protein sequence and biophysical properties (such as structural, functional, and spatial information, amino acid conservation, physicochemical variation, residue mobility, and thermodynamic stability) performed at Invitae indicates that this missense variant is expected to disrupt CDC73 protein function with a positive predictive value of 80%. In summary, the available evidence is currently insufficient to determine the role of this variant in disease. Therefore, it has been classified as a Variant of Uncertain Significance.

NM_024529.5(CDC73):c.1553T>C (p.Leu518Ser)

Gene: CDC73 (cell division cycle 73; plus strand). Cytogenetic location: 1q31.2.
Variant type: single nucleotide variant.
Coding change: c.1553T>C on transcript NM_024529.5 (MANE Select); coding-DNA position 1553, T replaced by C.
Protein change: p.Leu518Ser; replaces leucine 518 with serine.
Molecular consequence: missense variant.
Genome position (GRCh38, 1-based): chr1:193,249,865, T>C. VCF-style: chr1-193249865-T-C. GRCh37 (hg19) VCF-style: chr1-193218995-T-C.
Other names: short protein forms L518S.
Identifiers: ClinVar variation 3658184 (VCV003658184.2).